The following is an entry in ClinVar:

NM_000038.6(APC):c.920A>T (p.His307Leu)

Gene: APC (APC regulator of Wnt signaling pathway; plus strand). Cytogenetic location: 5q22.2.
Variant type: single nucleotide variant.
Coding change: c.920A>T on transcript NM_000038.6 (MANE Select); coding-DNA position 920, A replaced by T.
Protein change: p.His307Leu; replaces histidine 307 with leucine.
Molecular consequence: missense variant.
Genome position (GRCh38, 1-based): chr5:112,815,580, A>T. VCF-style: chr5-112815580-A-T. GRCh37 (hg19) VCF-style: chr5-112151277-A-T.
Other names: c.920A>T, p.His307Leu (NM_001127510.3, NM_001354895.2, NM_001354896.2 and 1 more transcripts); c.866A>T, p.His289Leu (NM_001127511.3); c.950A>T, p.His317Leu (NM_001354897.2, NM_001354902.2); c.845A>T, p.His282Leu (NM_001354898.2, NM_001354904.2); c.836A>T, p.His279Leu (NM_001354899.2); c.743A>T, p.His248Leu (NM_001354900.2, NM_001354901.2, NM_001354905.2); c.71A>T, p.His24Leu (NM_001354906.2); short protein forms H289L, H307L, H248L, H279L, H282L, H317L, H24L.
Identifiers: ClinVar variation 224556 (VCV000224556.16), dbSNP rs869312787, ClinGen allele CA353514.

ClinVar aggregate classification (germline): Uncertain significance. Review status: criteria provided, multiple submitters, no conflicts (2 of 4 stars). 3 submissions from 3 submitters: Uncertain significance (3). Last evaluated 2025-04-14.

Conditions:
Familial adenomatous polyposis 1 (FAP1). Also called: POLYPOSIS, ADENOMATOUS INTESTINAL; FAMILIAL ADENOMATOUS POLYPOSIS 1, ATTENUATED. Identifiers: MedGen C2713442, MONDO:0021056, OMIM 175100. Disease mechanism: loss of function.
Hereditary cancer-predisposing syndrome. Also called: Tumor predisposition; Hereditary neoplastic syndrome; Neoplastic Syndromes, Hereditary; Hereditary Cancer Syndrome. Identifiers: Orphanet 140162, MedGen C0027672, MeSH D009386, MONDO:0015356.
Colorectal cancer, susceptibility to. Identifiers: MedGen C1858438.

gnomAD v4.1: 2 of 1,611,002 alleles (0.00012%); highest among the groups gnomAD compares: Non-Finnish European, 0.00017%; no homozygotes.

Submissions (3):

Labcorp Genetics (formerly Invitae), Labcorp
Classification: Uncertain significance for Familial adenomatous polyposis 1. Last evaluated: 2025-04-14. Review status: criteria provided, single submitter. Criteria: Invitae Variant Classification Sherloc (09022015). Collection method: clinical testing. Allele origin: germline.
Comment: This sequence change replaces histidine, which is basic and polar, with leucine, which is neutral and non-polar, at codon 307 of the APC protein (p.His307Leu). This variant is not present in population databases (gnomAD no frequency). This missense change has been observed in individual(s) with endometrial cancer (PMID: 26845104). ClinVar contains an entry for this variant (Variation ID: 224556). Invitae Evidence Modeling of protein sequence and biophysical properties (such as structural, functional, and spatial information, amino acid conservation, physicochemical variation, residue mobility, and thermodynamic stability) indicates that this missense variant is not expected to disrupt APC protein function with a negative predictive value of 95%. In summary, the available evidence is currently insufficient to determine the role of this variant in disease. Therefore, it has been classified as a Variant of Uncertain Significance.

Ambry Genetics
Classification: Uncertain significance for Hereditary cancer-predisposing syndrome. Last evaluated: 2022-11-18. Review status: criteria provided, single submitter. Criteria: Ambry Variant Classification Scheme 2023. Collection method: clinical testing. Allele origin: germline.
Comment: The p.H307L variant (also known as c.920A>T), located in coding exon 8 of the APC gene, results from an A to T substitution at nucleotide position 920. The histidine at codon 307 is replaced by leucine, an amino acid with similar properties. This amino acid position is highly conserved in available vertebrate species. In addition, in silico predictors for this gene do not accurately predict pathogenicity. Since supporting evidence is limited at this time, the clinical significance of this alteration remains unclear.

University of Washington Department of Laboratory Medicine, University of Washington
Classification: Uncertain significance for Colorectal cancer, susceptibility to. Last evaluated: 2015-11-20. Review status: criteria provided, single submitter. Criteria: Shirts et al. (Genet Med 2016). Collection method: clinical testing. Allele origin: germline. Observed: 1 variant allele.

Literature cited by the submitters: PubMed 26845104 (cited by Labcorp Genetics (formerly Invitae), Labcorp).